The following is an entry in ClinVar:

NM_000350.3(ABCA4):c.2869C>A (p.Gln957Lys)

Gene: ABCA4 (ATP binding cassette subfamily A member 4; minus strand). Cytogenetic location: 1p22.1.
Variant type: single nucleotide variant.
Coding change: c.2869C>A on transcript NM_000350.3 (MANE Select); coding-DNA position 2869, C replaced by A.
Protein change: p.Gln957Lys; replaces glutamine 957 with lysine.
Molecular consequence: missense variant.
Genome position (GRCh38, 1-based): chr1:94,046,968, G>T on the plus strand (C>A on the coding strand, the complement: ABCA4 is on the minus strand). VCF-style: chr1-94046968-G-T. GRCh37 (hg19) VCF-style: chr1-94512524-G-T.
Other names: c.2647C>A, p.Gln883Lys (NM_001425324.1); short protein forms Q957K, Q883K.
Identifiers: ClinVar variation 92866 (VCV000092866.15), dbSNP rs398123338, ClinGen allele CA220681.

ClinVar aggregate classification (germline): Conflicting classifications of pathogenicity. Review status: criteria provided, conflicting classifications (1 of 4 stars). 4 submissions from 4 submitters: Likely pathogenic (2); Uncertain significance (2). Last evaluated 2026-05-04.

Conditions:
ABCA4-related disorder. Also called: ABCA4-related disorders; ABCA4-related condition. Identifiers: MedGen CN239167.

Submissions (4):

PreventionGenetics, part of Exact Sciences
Classification: Likely pathogenic for ABCA4-related condition. Last evaluated: 2026-05-04. Review status: criteria provided, single submitter. Criteria: ACMG Guidelines, 2015. Collection method: clinical testing. Allele origin: germline.
Comment: The ABCA4 c.2869C>A variant is predicted to result in the amino acid substitution p.Gln957Lys. This variant has been reported in individuals with ABCA4-related retinal disease (Supplemental Table 1, Schindler et al. 2010. PubMed ID: 20647261; Supplemental Table 1, Fenner et al. 2024. PubMed ID: 38309476). Alternate nucleotide changes impacting this amino acid position (p.Gln957Arg, p.Gln957Pro) have been reported in individuals with ABCA4-related retinal disease (Maugeri et al. 1999. PubMed ID: 10090887; Supplementary table S2, Sun et al. 2021. PubMed ID: 33301772). This variant has not been reported in a large population database (gnomAD), indicating this variant is rare. This variant is interpreted as likely pathogenic.

Labcorp Genetics (formerly Invitae), Labcorp
Classification: Likely pathogenic. Last evaluated: 2025-05-14. Review status: criteria provided, single submitter. Criteria: Invitae Variant Classification Sherloc (09022015). Collection method: clinical testing. Allele origin: germline.
Comment: This sequence change replaces glutamine, which is neutral and polar, with lysine, which is basic and polar, at codon 957 of the ABCA4 protein (p.Gln957Lys). This variant is not present in population databases (gnomAD no frequency). This missense change has been observed in individual(s) with Stargardt disease (PMID: 20647261). ClinVar contains an entry for this variant (Variation ID: 92866). Invitae Evidence Modeling of protein sequence and biophysical properties (such as structural, functional, and spatial information, amino acid conservation, physicochemical variation, residue mobility, and thermodynamic stability) indicates that this missense variant is expected to disrupt ABCA4 protein function with a positive predictive value of 95%. This variant disrupts the p.Gln957 amino acid residue in ABCA4. Other variant(s) that disrupt this residue have been determined to be pathogenic (PMID: 33301772; internal data). This suggests that this residue is clinically significant, and that variants that disrupt this residue are likely to be disease-causing. In summary, the currently available evidence indicates that the variant is pathogenic, but additional data are needed to prove that conclusively. Therefore, this variant has been classified as Likely Pathogenic.

Blueprint Genetics
Classification: Uncertain significance. Last evaluated: 2018-11-13. Review status: criteria provided, single submitter. Criteria: ACMG Guidelines, 2015. Collection method: clinical testing. Allele origin: germline.

Eurofins Ntd Llc (ga)
Classification: Uncertain significance. Last evaluated: 2013-08-14. Review status: criteria provided, single submitter. Criteria: EGL Classification Definitions 2015. Collection method: clinical testing. Allele origin: germline. Observed: 1 variant allele, 1 heterozygote.

Literature cited by the submitters: PubMed 20647261 (cited by Labcorp Genetics (formerly Invitae), Labcorp); PubMed 33301772 (cited by Labcorp Genetics (formerly Invitae), Labcorp).